The following is an entry in ClinVar:

ClinVar aggregate classification (germline): Uncertain significance. Review status: criteria provided, multiple submitters, no conflicts (2 of 4 stars). 2 submissions from 2 submitters: Uncertain significance (2). Last evaluated 2023-06-30.

Conditions:
Neuropathy, hereditary sensory and autonomic, type 2A (HSAN2A). Also called: MORVAN DISEASE; NEUROPATHY, CONGENITAL SENSORY; NEUROPATHY, HEREDITARY SENSORY RADICULAR, AUTOSOMAL RECESSIVE; NEUROPATHY, HEREDITARY SENSORY, TYPE IIA; NEUROPATHY, PROGRESSIVE SENSORY, OF CHILDREN; ACROOSTEOLYSIS, GIACCAI TYPE. Identifiers: Orphanet 970, MedGen C2752089, MONDO:0024309, OMIM 201300.
Pseudohypoaldosteronism type 2C (PHA2C). Also called: Pseudohypoaldosteronism Type IIC. Identifiers: Orphanet 757, Orphanet 88940, MedGen C1840391, MONDO:0013778, OMIM 614492.

Allele frequency attached by ClinVar (database versions not stated): gnomAD exomes below 0.00001.
gnomAD v4.1: 1 of 1,612,064 alleles (0.000062%); highest among the groups gnomAD compares: Non-Finnish European, 0.000085%; no homozygotes.

Submissions (2):

Labcorp Genetics (formerly Invitae), Labcorp
Classification: Uncertain significance for Neuropathy, hereditary sensory and autonomic, type 2A; Pseudohypoaldosteronism type 2C. Last evaluated: 2023-06-30. Review status: criteria provided, single submitter. Criteria: Invitae Variant Classification Sherloc (09022015). Collection method: clinical testing. Allele origin: germline.
Comment: In summary, the available evidence is currently insufficient to determine the role of this variant in disease. Therefore, it has been classified as a Variant of Uncertain Significance. Advanced modeling of protein sequence and biophysical properties (such as structural, functional, and spatial information, amino acid conservation, physicochemical variation, residue mobility, and thermodynamic stability) performed at Invitae indicates that this missense variant is not expected to disrupt WNK1 protein function. ClinVar contains an entry for this variant (Variation ID: 448962). This variant has not been reported in the literature in individuals affected with WNK1-related conditions. This variant is not present in population databases (gnomAD no frequency). This sequence change replaces arginine, which is basic and polar, with glycine, which is neutral and non-polar, at codon 56 of the WNK1 protein (p.Arg56Gly).

MVZ Martinsried, Medicover Genetics
Classification: Uncertain significance for Neuropathy, hereditary sensory and autonomic, type 2A. Last evaluated: 2017-04-07. Review status: criteria provided, single submitter. Criteria: ACMG Guidelines, 2015. Collection method: clinical testing. Allele origin: paternal. Affected: yes.

NM_018979.4(WNK1):c.166C>G (p.Arg56Gly)

Gene: WNK1 (WNK lysine deficient protein kinase 1; plus strand). Cytogenetic location: 12p13.33.
Variant type: single nucleotide variant.
Coding change: c.166C>G on transcript NM_018979.4 (MANE Select); coding-DNA position 166, C replaced by G.
Protein change: p.Arg56Gly; replaces arginine 56 with glycine.
Molecular consequence: missense variant.
Genome position (GRCh38, 1-based): chr12:753,731, C>G. VCF-style: chr12-753731-C-G. GRCh37 (hg19) VCF-style: chr12-862897-C-G.
Other names: c.166C>G, p.Arg56Gly (NM_001184985.2, NM_014823.3, NM_213655.5); short protein forms R56G.
Identifiers: ClinVar variation 448962 (VCV000448962.4), dbSNP rs1174073920, ClinGen allele CA383304040.